The following is an entry in ClinVar:

NM_003392.7(WNT5A):c.379G>T (p.Val127Leu)

Gene: WNT5A (Wnt family member 5A; minus strand). Cytogenetic location: 3p14.3.
Variant type: single nucleotide variant.
Coding change: c.379G>T on transcript NM_003392.7 (MANE Select); coding-DNA position 379, G replaced by T.
Protein change: p.Val127Leu; replaces valine 127 with leucine.
Molecular consequence: missense variant.
Genome position (GRCh38, 1-based): chr3:55,479,326, C>A on the plus strand (G>T on the coding strand, the complement: WNT5A is on the minus strand). VCF-style: chr3-55479326-C-A. GRCh37 (hg19) VCF-style: chr3-55513354-C-A.
Other names: c.334G>T, p.Val112Leu (NM_001256105.1, NM_001377271.1, NM_001377272.1); short protein forms V112L, V127L.
Identifiers: ClinVar variation 3906020 (VCV003906020.10).

ClinVar aggregate classification (germline): Uncertain significance (1 of 4 stars; one submission).

Submission:

CeGaT Center for Human Genetics Tuebingen
Classification: Uncertain significance. Last evaluated: 2025-05-01. Review status: criteria provided, single submitter. Criteria: CeGaT Center For Human Genetics Tuebingen Variant Classification Criteria Version 2. Collection method: clinical testing. Allele origin: germline. Affected: yes. Observed: 1 variant allele.
Comment: WNT5A: PM2, PS2:Supporting